The following is an entry in ClinVar:

ClinVar aggregate classification (germline): Pathogenic. Review status: criteria provided, single submitter (1 of 4 stars). 2 submissions from 2 submitters: Pathogenic (1). 1 of the submissions does not count toward it. Last evaluated 2025-09-02.

Conditions:
X-linked myopathy with excessive autophagy (AVM). Also called: Vacuolar myopathy; Autophagic vacuolar myopathy. Identifiers: Orphanet 25980, MedGen C1839615, MONDO:0010684, OMIM 310440.

Submissions (2):

Labcorp Genetics (formerly Invitae), Labcorp
Classification: Pathogenic for X-linked myopathy with excessive autophagy. Last evaluated: 2025-09-02. Review status: criteria provided, single submitter. Criteria: Invitae Variant Classification Sherloc (09022015). Collection method: clinical testing. Allele origin: germline.
Comment: This sequence change falls in intron 1 of the VMA21 gene. It does not directly change the encoded amino acid sequence of the VMA21 protein. This variant is not present in population databases (gnomAD no frequency). This variant has been observed in individuals with X-linked myopathy with excessive autophagy (PMID: 23315026, 35015203; internal data). ClinVar contains an entry for this variant (Variation ID: 208798). Algorithms developed to predict the effect of variants on gene product structure and function are not available or were not evaluated for this variant. Experimental studies are conflicting or provide insufficient evidence to determine the effect of this variant on VMA21 function (PMID: 23315026). Algorithms developed to predict the effect of sequence changes on RNA splicing suggest that this variant may disrupt the consensus splice site. For these reasons, this variant has been classified as Pathogenic.

OMIM
Classification: Pathogenic for MYOPATHY, X-LINKED, WITH EXCESSIVE AUTOPHAGY. Last evaluated: 2013-03-01. Review status: no assertion criteria provided. Collection method: literature only. Allele origin: germline. Not counted in ClinVar's aggregate classification.

Literature cited by the submitters: PubMed 23315026 (cited by Labcorp Genetics (formerly Invitae), Labcorp and OMIM); PubMed 35015203 (cited by Labcorp Genetics (formerly Invitae), Labcorp).

NM_001017980.4(VMA21):c.54-27A>C

Gene: VMA21 (vacuolar ATPase assembly factor VMA21; plus strand). Cytogenetic location: Xq28.
Variant type: single nucleotide variant.
Coding change: c.54-27A>C on transcript NM_001017980.4 (MANE Select); 27 bases into the intron before coding-DNA position 54, A replaced by C.
Molecular consequence: intron variant.
Genome position (GRCh38, 1-based): chrX:151,403,604, A>C. VCF-style: chrX-151403604-A-C. GRCh37 (hg19) VCF-style: chrX-150572076-A-C.
Other names: IVS1, A-C, -27; c.219-27A>C (NM_001363810.1).
Identifiers: ClinVar variation 208798 (VCV000208798.9), dbSNP rs878854352, ClinGen allele CA10575761.